The following is an entry in ClinVar:

NM_001018005.2(TPM1):c.14AGA[4] (p.Lys7dup)

Gene: TPM1 (tropomyosin 1; plus strand). Cytogenetic location: 15q22.2.
Variant type: Microsatellite.
Coding change: c.14AGA[4] on transcript NM_001018005.2 (MANE Select); four copies in a row of the 3-base unit AGA starting at c.14; the reference has three copies in a row; one copy, 3 bases duplicated.
Protein change: p.Lys7dup; duplicates lysine 7.
Molecular consequence: inframe insertion.
Genome position (GRCh38, 1-based): chr15:63,042,849-63,042,851, AGA duplicated; duplicating any 3 consecutive bases within chr15:63,042,842-63,042,851 gives the same sequence; the position shown is the placement nearest the transcript's 3' end. VCF-style (leftmost placement, unchanged base first): chr15-63042841-C-CAAG. GRCh37 (hg19) VCF-style: chr15-63335040-C-CAAG.
Other names: p.Lys7_Met8insLys; c.14AGA[4], p.Lys7dup (NM_000366.6, NM_001018004.2, NM_001018006.2 and 7 more transcripts).
Identifiers: ClinVar variation 504964 (VCV000504964.5), dbSNP rs730881155, ClinGen allele CA658798387.

ClinVar aggregate classification (germline): Uncertain significance (1 of 4 stars; one submission).

Submission:

Laboratory for Molecular Medicine, Mass General Brigham Personalized Medicine
Classification: Uncertain significance. Last evaluated: 2016-04-29. Review status: criteria provided, single submitter. Criteria: LMM Criteria. Collection method: clinical testing. Allele origin: germline. Observed: 1 variant allele.
Comment: The p.Lys5[4] variant in TPM1 has not been previously reported in individuals wi th cardiomyopathy or in large population studies, though the ability of these st udies to accurately detect indels may be limited. This variant is a duplication of a lysine (Lys) in a repeat region and is not predicted to alter the protein r eading frame. It is unclear if this duplication will impact the protein. In summ ary, the clinical significance of the p.Lys5[4] variant is uncertain.